The following is an entry in ClinVar:

ClinVar aggregate classification (germline): Uncertain significance (1 of 4 stars; one submission).

Conditions:
Familial infantile myasthenia (CMS6). Also called: MYASTHENIC SYNDROME, PRESYNAPTIC, CONGENITAL, ASSOCIATED WITH EPISODIC APNEA; MYASTHENIC SYNDROME, CONGENITAL, 6, PRESYNAPTIC; Congenital myasthenic syndrome type 6. Identifiers: Orphanet 590, MedGen C0393929, MONDO:0009689, OMIM 254210.

Allele frequency attached by ClinVar (database versions not stated): gnomAD exomes below 0.00001.
gnomAD v4.1: 1 of 1,611,110 alleles (0.000062%); highest among the groups gnomAD compares: Admixed American, 0.0017%; no homozygotes.

Submission:

Labcorp Genetics (formerly Invitae), Labcorp
Classification: Uncertain significance for Familial infantile myasthenia. Last evaluated: 2022-11-08. Review status: criteria provided, single submitter. Criteria: Invitae Variant Classification Sherloc (09022015). Collection method: clinical testing. Allele origin: germline.
Comment: In summary, the available evidence is currently insufficient to determine the role of this variant in disease. Therefore, it has been classified as a Variant of Uncertain Significance. Advanced modeling of protein sequence and biophysical properties (such as structural, functional, and spatial information, amino acid conservation, physicochemical variation, residue mobility, and thermodynamic stability) performed at Invitae indicates that this missense variant is not expected to disrupt CHAT protein function. This variant has not been reported in the literature in individuals affected with CHAT-related conditions. This variant is present in population databases (no rsID available, gnomAD 0.003%). This sequence change replaces isoleucine, which is neutral and non-polar, with valine, which is neutral and non-polar, at codon 239 of the CHAT protein (p.Ile239Val).

NM_020549.5(CHAT):c.715A>G (p.Ile239Val)

Gene: CHAT (choline O-acetyltransferase; plus strand). Cytogenetic location: 10q11.23.
Variant type: single nucleotide variant.
Coding change: c.715A>G on transcript NM_020549.5 (MANE Select); coding-DNA position 715, A replaced by G.
Protein change: p.Ile239Val; replaces isoleucine 239 with valine.
Molecular consequence: missense variant.
Genome position (GRCh38, 1-based): chr10:49,622,113, A>G. VCF-style: chr10-49622113-A-G. GRCh37 (hg19) VCF-style: chr10-50830159-A-G.
Other names: c.361A>G, p.Ile121Val (NM_001142929.2, NM_001142934.2, NM_020984.4 and 2 more transcripts); c.469A>G, p.Ile157Val (NM_001142933.2); short protein forms I121V, I157V, I239V.
Identifiers: ClinVar variation 2052685 (VCV002052685.2), dbSNP rs1430813048, ClinGen allele CA376728698.